The following is an entry in ClinVar:

ClinVar aggregate classification (germline): Uncertain significance. Review status: criteria provided, multiple submitters, no conflicts (2 of 4 stars). 3 submissions from 3 submitters: Uncertain significance (3). Last evaluated 2025-12-03.

Conditions:
Inborn genetic diseases. Identifiers: MedGen C0950123, MeSH D030342.
Type 2 diabetes mellitus. Also called: Type II diabetes mellitus. Identifiers: MedGen C0011860, MeSH D003924, MONDO:0005148, OMIM 125853, HP:0005978.
Maturity-onset diabetes of the young type 6 (MODY6). Identifiers: Orphanet 552, MedGen C1853371, MONDO:0011668, OMIM 606394.

Allele frequency attached by ClinVar (database versions not stated): gnomAD exomes 0.00001; TOPMed 0.00002.
gnomAD v4.1: 16 of 1,614,058 alleles (0.00099%); highest among the groups gnomAD compares: African/African-American, 0.0013%; no homozygotes.

Submissions (3):

Ambry Genetics
Classification: Uncertain significance for Inborn genetic diseases. Last evaluated: 2025-12-03. Review status: criteria provided, single submitter. Criteria: Ambry Variant Classification Scheme 2023. Collection method: clinical testing. Allele origin: germline.

Labcorp Genetics (formerly Invitae), Labcorp
Classification: Uncertain significance. Last evaluated: 2024-07-03. Review status: criteria provided, single submitter. Criteria: Invitae Variant Classification Sherloc (09022015). Collection method: clinical testing. Allele origin: germline.
Comment: This sequence change replaces alanine, which is neutral and non-polar, with threonine, which is neutral and polar, at codon 311 of the NEUROD1 protein (p.Ala311Thr). This variant is present in population databases (no rsID available, gnomAD 0.003%). This variant has not been reported in the literature in individuals affected with NEUROD1-related conditions. ClinVar contains an entry for this variant (Variation ID: 958159). Advanced modeling of protein sequence and biophysical properties (such as structural, functional, and spatial information, amino acid conservation, physicochemical variation, residue mobility, and thermodynamic stability) performed at Invitae indicates that this missense variant is not expected to disrupt NEUROD1 protein function with a negative predictive value of 80%. In summary, the available evidence is currently insufficient to determine the role of this variant in disease. Therefore, it has been classified as a Variant of Uncertain Significance.

Fulgent Genetics
Classification: Uncertain significance for Type 2 diabetes mellitus; Maturity-onset diabetes of the young type 6. Last evaluated: 2024-04-24. Review status: criteria provided, single submitter. Criteria: ACMG Guidelines, 2015. Collection method: clinical testing. Allele origin: germline.

NM_002500.5(NEUROD1):c.931G>A (p.Ala311Thr)

Gene: NEUROD1 (neuronal differentiation 1; minus strand). Cytogenetic location: 2q31.3.
Variant type: single nucleotide variant.
Coding change: c.931G>A on transcript NM_002500.5 (MANE Select); coding-DNA position 931, G replaced by A.
Protein change: p.Ala311Thr; replaces alanine 311 with threonine.
Molecular consequence: missense variant.
Genome position (GRCh38, 1-based): chr2:181,677,930, C>T on the plus strand (G>A on the coding strand, the complement: NEUROD1 is on the minus strand). VCF-style: chr2-181677930-C-T. GRCh37 (hg19) VCF-style: chr2-182542657-C-T.
Other names: c.931G>A (NM_002500.3); short protein forms A311T.
Identifiers: ClinVar variation 958159 (VCV000958159.10), dbSNP rs1475260624, ClinGen allele CA349782587.